The following is an entry in ClinVar:

NM_001267550.2(TTN):c.107123C>T (p.Pro35708Leu)

Genes: TTN (titin; minus strand), TTN-AS1 (TTN antisense RNA 1; plus strand). Cytogenetic location: 2q31.2.
Variant type: single nucleotide variant.
Coding change: c.107123C>T on transcript NM_001267550.2 (MANE Select); coding-DNA position 107123, C replaced by T.
Protein change: p.Pro35708Leu; replaces proline 35708 with leucine.
Molecular consequence: missense variant.
Genome position (GRCh38, 1-based): chr2:178,528,628, G>A on the plus strand (C>T on the coding strand, the complement: TTN is on the minus strand). VCF-style: chr2-178528628-G-A. GRCh37 (hg19) VCF-style: chr2-179393355-G-A.
Other names: c.107123C>T (NM_001267550.1); c.102200C>T, p.Pro34067Leu (NM_001256850.1); c.79928C>T, p.Pro26643Leu (NM_003319.4); c.99419C>T, p.Pro33140Leu (NM_133378.4); c.80303C>T, p.Pro26768Leu (NM_133432.3); c.80504C>T, p.Pro26835Leu (NM_133437.4); short protein forms P35708L, P34067L, P26643L, P26835L, P33140L, P26768L.
Identifiers: ClinVar variation 466763 (VCV000466763.9), dbSNP rs71423567, ClinGen allele CA60950183.

ClinVar aggregate classification (germline): Conflicting classifications of pathogenicity. Review status: criteria provided, conflicting classifications (1 of 4 stars). 6 submissions from 6 submitters: Uncertain significance (4); Likely benign (1). 1 of the submissions does not count toward it. Last evaluated 2025-04-09.

Conditions:
TTN-related disorder. Also called: TTN-related disorders; TTN-related condition; TTN-related disease.
Autosomal recessive limb-girdle muscular dystrophy type 2J (LGMDR10). Also called: Limb-girdle muscular dystrophy, type 2J; MUSCULAR DYSTROPHY, LIMB-GIRDLE, AUTOSOMAL RECESSIVE 10. Identifiers: Orphanet 140922, MedGen C1837342, MONDO:0012127, OMIM 608807.
Dilated cardiomyopathy 1G (CMD1G). Identifiers: Orphanet 154, MedGen C1858763, MONDO:0011400, OMIM 604145.
Myopathy, myofibrillar, 9, with early respiratory failure (MFM9). Also called: EDSTROM MYOPATHY; MYOPATHY, PROXIMAL, WITH EARLY RESPIRATORY MUSCLE INVOLVEMENT; Hereditary myopathy with early respiratory failure; Myopathy, distal, with early respiratory failure, autosomal dominant. Identifiers: Orphanet 178464, Orphanet 34521, MedGen C1863599, MONDO:0011362, OMIM 603689.
Hypertrophic cardiomyopathy 9. Also called: Familial hypertrophic cardiomyopathy 9. Identifiers: MedGen C1861065, MONDO:0013412, OMIM 613765.
Early-onset myopathy with fatal cardiomyopathy (CMYO5). Also called: Salih Myopathy; CONGENITAL MYOPATHY 5 WITH CARDIOMYOPATHY. Identifiers: Orphanet 289377, MedGen C2673677, MONDO:0012714, OMIM 611705. Disease mechanism: loss of function.
Tibial muscular dystrophy (TMD). Also called: UDD MYOPATHY; Tibial muscular dystrophy, tardive; Udd Distal Myopathy – Tibial Muscular Dystrophy. Identifiers: Orphanet 609, MedGen C1838244, MONDO:0010870, OMIM 600334.
Cardiomyopathy (CMYO). Also called: Cardiomyopathies. Identifiers: Orphanet 167848, MedGen C0878544, MONDO:0004994, HP:0001638. Inheritance: Various modes of inheritance.

Allele frequency attached by ClinVar (database versions not stated): gnomAD exomes below 0.00001; TOPMed 0.00001.
gnomAD v4.1: 8 of 1,612,634 alleles (0.0005%); highest among the groups gnomAD compares: East Asian, 0.0022%; no homozygotes.

Submissions (6):

Molecular Diagnostic Laboratory for Inherited Cardiovascular Disease, Montreal Heart Institute
Classification: Likely benign. Last evaluated: 2025-04-09. Review status: criteria provided, single submitter. Criteria: ACMG Guidelines, 2015. Collection method: clinical testing. Allele origin: germline. Affected: no.

GeneDx
Classification: Uncertain significance. Last evaluated: 2024-10-07. Review status: criteria provided, single submitter. Criteria: GeneDx Variant Classification Process June 2021. Collection method: clinical testing. Allele origin: germline. Affected: yes.
Comment: Not observed at significant frequency in large population cohorts (gnomAD); Missense variant in a gene in which most reported pathogenic variants are truncating/loss of function; Identified in a patient with DCM in published literature (PMID: 31983221); This variant is associated with the following publications: (PMID: 23975875, 31983221)

Fulgent Genetics
Classification: Uncertain significance for Tibial muscular dystrophy; Myopathy, myofibrillar, 9, with early respiratory failure; Dilated cardiomyopathy 1G; Autosomal recessive limb-girdle muscular dystrophy type 2J; Early-onset myopathy with fatal cardiomyopathy; Hypertrophic cardiomyopathy 9. Last evaluated: 2024-01-08. Review status: criteria provided, single submitter. Criteria: ACMG Guidelines, 2015. Collection method: clinical testing. Allele origin: germline.

Labcorp Genetics (formerly Invitae), Labcorp
Classification: Uncertain significance for Dilated cardiomyopathy 1G; Autosomal recessive limb-girdle muscular dystrophy type 2J. Last evaluated: 2018-09-27. Review status: criteria provided, single submitter. Criteria: Invitae Variant Classification Sherloc (09022015). Collection method: clinical testing. Allele origin: germline.
Comment: This sequence change replaces proline with leucine at codon 35708 of the TTN protein (p.Pro35708Leu). ¬†There is a moderate physicochemical difference between proline and leucine. The frequency data for this variant (rs71423567) in the population databases is unreliable, as metrics indicate poor quality at this position in the ExAC database. This variant has not been reported in the literature in individuals with a TTN-related disease. Algorithms developed to predict the effect of missense changes on protein structure and function are unavailable for the TTN gene. In summary, this variant is a novel missense change with uncertain impact on protein function. Missense variants in this region of the TTN gene are typically not causative for cardiac disease, but may be relevant for neuromuscular disorders. However, the available evidence is currently insufficient to determine this variant‚Äôs role in disease. Therefore, it has been classified as a Variant of Uncertain Significance.

CHEO Genetics Diagnostic Laboratory, Children's Hospital of Eastern Ontario
Classification: Uncertain significance for Cardiomyopathy. Last evaluated: 2015-09-25. Review status: criteria provided, single submitter. Criteria: ACMG Guidelines, 2015. Collection method: clinical testing. Allele origin: germline. Study: Canadian Open Genetics Repository.

PreventionGenetics, part of Exact Sciences
Classification: Uncertain significance for TTN-related condition. Last evaluated: 2024-07-29. Review status: no assertion criteria provided. Collection method: clinical testing. Allele origin: germline. Not counted in ClinVar's aggregate classification.
Comment: The TTN c.107123C>T variant is predicted to result in the amino acid substitution p.Pro35708Leu. This variant has been reported in an individual with dilated cardiomyopathy (Table S3, Mazzarotto et al. 2020. PubMed ID: 31983221). This variant is reported in one allele out of ~246,000 alleles in gnomAD. At this time, the clinical significance of this variant is uncertain due to the absence of conclusive functional and genetic evidence.